The following is an entry in ClinVar:

NM_004370.6(COL12A1):c.1164G>A (p.Thr388=)

Gene: COL12A1 (collagen type XII alpha 1 chain; minus strand). Cytogenetic location: 6q13.
Variant type: single nucleotide variant.
Coding change: c.1164G>A on transcript NM_004370.6 (MANE Select); coding-DNA position 1164, G replaced by A.
Protein change: p.Thr388=; no amino-acid change (threonine 388 retained).
Molecular consequence: synonymous variant. On other transcripts: intron variant (1).
Genome position (GRCh38, 1-based): chr6:75,183,978, C>T on the plus strand (G>A on the coding strand, the complement: COL12A1 is on the minus strand). VCF-style: chr6-75183978-C-T. GRCh37 (hg19) VCF-style: chr6-75893694-C-T.
Other names: p.Thr388=; c.73+18742G>A (NM_080645.3).
Identifiers: ClinVar variation 1596839 (VCV001596839.17), dbSNP rs373522815, ClinGen allele CA3894254.

ClinVar aggregate classification (germline): Likely benign. Review status: criteria provided, multiple submitters, no conflicts (2 of 4 stars). 4 submissions from 4 submitters: Likely benign (4). Last evaluated 2025-12-19.

Conditions:
Ullrich congenital muscular dystrophy 2 (UCMD2). Identifiers: Orphanet 75840, MedGen C4225314, MONDO:0014654, OMIM 616470.
Bethlem myopathy 2 (BTHLM2). Identifiers: Orphanet 536516, Orphanet 610, MedGen C4225313, MONDO:0034022, OMIM 616471.

Allele frequency attached by ClinVar (database versions not stated): ExAC 0.00002; gnomAD exomes 0.00002; ESP Exome Variant Server 0.00008; TOPMed 0.00008; gnomAD 0.00009 and 0.00010.

Submissions (4):

Labcorp Genetics (formerly Invitae), Labcorp
Classification: Likely benign for Bethlem myopathy 2; Ullrich congenital muscular dystrophy 2. Last evaluated: 2025-12-19. Review status: criteria provided, single submitter. Criteria: Invitae Variant Classification Sherloc (09022015). Collection method: clinical testing. Allele origin: germline.

Mayo Clinic Laboratories, Mayo Clinic
Classification: Likely benign. Last evaluated: 2025-10-10. Review status: criteria provided, single submitter. Criteria: ACMG Guidelines, 2015. Collection method: clinical testing. Allele origin: germline. Observed: 2 variant alleles.
Comment: BP4, BP7

Women's Health and Genetics/Laboratory Corporation of America, LabCorp
Classification: Likely benign. Last evaluated: 2025-09-02. Review status: criteria provided, single submitter. Criteria: LabCorp Variant Classification Summary - May 2015. Collection method: clinical testing. Allele origin: germline.

CeGaT Center for Human Genetics Tuebingen
Classification: Likely benign. Last evaluated: 2025-07-01. Review status: criteria provided, single submitter. Criteria: CeGaT Center For Human Genetics Tuebingen Variant Classification Criteria Version 2. Collection method: clinical testing. Allele origin: germline. Affected: yes. Observed: 1 variant allele.
Comment: COL12A1: BP4, BP7